The following is an entry in ClinVar:

NM_021930.6(RINT1):c.796T>G (p.Tyr266Asp)

Gene: RINT1 (RAD50 interactor 1; plus strand). Cytogenetic location: 7q22.3.
Variant type: single nucleotide variant.
Coding change: c.796T>G on transcript NM_021930.6 (MANE Select); coding-DNA position 796, T replaced by G.
Protein change: p.Tyr266Asp; replaces tyrosine 266 with aspartic acid.
Molecular consequence: missense variant. On other transcripts: 5 prime UTR variant (2), non-coding transcript variant (1), intron variant (1).
Genome position (GRCh38, 1-based): chr7:105,547,290, T>G. VCF-style: chr7-105547290-T-G. GRCh37 (hg19) VCF-style: chr7-105187737-T-G.
Other names: c.562T>G, p.Tyr188Asp (NM_001346599.2); c.-224T>G (NM_001346600.2); c.-127T>G (NM_001346601.2); c.-27-2765T>G (NM_001346603.2); short protein forms Y266D, Y188D.
Identifiers: ClinVar variation 4841718 (VCV004841718.1).

ClinVar aggregate classification (germline): Uncertain significance (1 of 4 stars; one submission).

Submission:

Ambry Genetics
Classification: Uncertain significance. Last evaluated: 2026-01-12. Review status: criteria provided, single submitter. Criteria: Ambry Variant Classification Scheme 2023. Collection method: clinical testing. Allele origin: germline.
Comment: The p.Y266D variant (also known as c.796T>G), located in coding exon 6 of the RINT1 gene, results from a T to G substitution at nucleotide position 796. The tyrosine at codon 266 is replaced by aspartic acid, an amino acid with highly dissimilar properties. This amino acid position is conserved. In addition, this alteration is predicted to be tolerated by in silico analysis. Based on the available evidence, the clinical significance of this variant remains unclear.